The following is an entry in ClinVar:

NM_001374828.1(ARID1B):c.4540A>G (p.Met1514Val)

Gene: ARID1B (AT-rich interaction domain 1B; plus strand). Cytogenetic location: 6q25.3.
Variant type: single nucleotide variant.
Coding change: c.4540A>G on transcript NM_001374828.1 (MANE Select); coding-DNA position 4540, A replaced by G.
Protein change: p.Met1514Val; replaces methionine 1514 with valine.
Molecular consequence: missense variant.
Genome position (GRCh38, 1-based): chr6:157,200,765, A>G. VCF-style: chr6-157200765-A-G. GRCh37 (hg19) VCF-style: chr6-157521899-A-G.
Other names: c.4291A>G, p.Met1431Val (NM_001346813.1); c.2041A>G, p.Met681Val (NM_001363725.2); c.4420A>G, p.Met1474Val (NM_001371656.1, NM_001374820.1); c.4381A>G, p.Met1461Val (NM_017519.3); c.4171A>G, p.Met1391Val (NM_020732.3); c.3958A>G, p.Met1320Val (NM_175863.2); short protein forms M1461V, M1391V, M1474V, M1514V, M681V, M1320V, M1431V.
Identifiers: ClinVar variation 1738421 (VCV001738421.10), dbSNP rs777513652, ClinGen allele CA150369708.

ClinVar aggregate classification (germline): Uncertain significance. Review status: criteria provided, multiple submitters, no conflicts (2 of 4 stars). 4 submissions from 4 submitters: Uncertain significance (4). Last evaluated 2025-10-27.

Conditions:
Inborn genetic diseases. Identifiers: MedGen C0950123, MeSH D030342.
Coffin-Siris syndrome 1 (CSS1). Also called: ARID1B-Related Coffin-Siris Syndrome; Mental retardation, autosomal dominant 12. Identifiers: Orphanet 1465, MedGen C3281201, MONDO:0007617, OMIM 135900. Disease mechanism: gain of function.

Allele frequency attached by ClinVar (database versions not stated): TOPMed 0.00001; gnomAD 0.00002.

Submissions (4):

Labcorp Genetics (formerly Invitae), Labcorp
Classification: Uncertain significance. Last evaluated: 2025-10-27. Review status: criteria provided, single submitter. Criteria: Invitae Variant Classification Sherloc (09022015). Collection method: clinical testing. Allele origin: germline.
Comment: This sequence change replaces methionine, which is neutral and non-polar, with valine, which is neutral and non-polar, at codon 1391 of the ARID1B protein (p.Met1391Val). This variant is not present in population databases (gnomAD no frequency). This variant has not been reported in the literature in individuals affected with ARID1B-related conditions. ClinVar contains an entry for this variant (Variation ID: 1738421). Invitae Evidence Modeling of protein sequence and biophysical properties (such as structural, functional, and spatial information, amino acid conservation, physicochemical variation, residue mobility, and thermodynamic stability) indicates that this missense variant is not expected to disrupt ARID1B protein function with a negative predictive value of 95%. In summary, the available evidence is currently insufficient to determine the role of this variant in disease. Therefore, it has been classified as a Variant of Uncertain Significance.

Blueprint Genetics
Classification: Uncertain significance. Last evaluated: 2023-08-30. Review status: criteria provided, single submitter. Criteria: ACMG Guidelines, 2015. Collection method: clinical testing. Allele origin: germline.

Revvity Omics, Revvity
Classification: Uncertain significance for Coffin-Siris syndrome 1. Last evaluated: 2022-03-31. Review status: criteria provided, single submitter. Criteria: ACMG Guidelines, 2015. Collection method: clinical testing. Allele origin: germline.

Ambry Genetics
Classification: Uncertain significance for Inborn genetic diseases. Last evaluated: 2018-06-12. Review status: criteria provided, single submitter. Criteria: Ambry Variant Classification Scheme 2023. Collection method: clinical testing. Allele origin: germline.
Comment: The p.M1391V variant (also known as c.4171A>G), located in coding exon 18 of the ARID1B gene, results from an A to G substitution at nucleotide position 4171. The methionine at codon 1391 is replaced by valine, an amino acid with highly similar properties. This amino acid position is not well conserved in available vertebrate species, and valine is the reference amino acid in other vertebrate species. In addition, this alteration is predicted to be tolerated by in silico analysis. Since supporting evidence is limited at this time, the clinical significance of this alteration remains unclear.